The following is an entry in ClinVar:

ClinVar aggregate classification (germline): Likely pathogenic (1 of 4 stars; one submission).

Submission:

GeneDx
Classification: Likely pathogenic. Last evaluated: 2026-03-26. Review status: criteria provided, single submitter. Criteria: GeneDx Variant Classification Process June 2021. Collection method: clinical testing. Allele origin: germline.
Comment: Nonsense variant predicted to result in protein truncation in a gene for which loss of function is a known mechanism of disease; Reported in a patient with left ventricular noncompaction cardiomyopathy (LVNC) and ventricular tachycardia; described as c.3901G>T (p.(E1301*)) due to alternate nomenclature (PMID: 31397097); Not observed at significant frequency in large population cohorts (gnomAD); This variant is associated with the following publications: (PMID: 31397097)

NM_004415.4(DSP):c.5698G>T (p.Glu1900Ter)

Gene: DSP (desmoplakin; plus strand). Cytogenetic location: 6p24.3.
Variant type: single nucleotide variant.
Coding change: c.5698G>T on transcript NM_004415.4 (MANE Select); coding-DNA position 5698, G replaced by T.
Protein change: p.Glu1900Ter; replaces glutamic acid 1900 with a stop codon.
Molecular consequence: nonsense.
Genome position (GRCh38, 1-based): chr6:7,582,960, G>T. VCF-style: chr6-7582960-G-T. GRCh37 (hg19) VCF-style: chr6-7583193-G-T.
Other names: c.3901G>T, p.Glu1301Ter (NM_001008844.3); c.4369G>T, p.Glu1457Ter (NM_001319034.2); short protein forms E1301*, E1457*, E1900*.
Identifiers: ClinVar variation 5016715 (VCV005016715.1).
Genomic context (GRCh38, chr6:7,582,960, plus strand): 5'-AAGATAGAATCGGAAAGAGAAAAGAGTGAGAGAGAGAAGAACAGTCTTAGGAGTGAGATC[G>T]AAAGACTCCAAGCAGAGATCAAGAGAATTGAAGAGAGGTGCAGGCGTAAGCTGGAGGATT-3'